The following is an entry in ClinVar:

NM_004656.4(BAP1):c.1975A>T (p.Lys659Ter)

Gene: BAP1 (BRCA1 associated deubiquitinase 1; minus strand). Cytogenetic location: 3p21.1.
Variant type: single nucleotide variant.
Coding change: c.1975A>T on transcript NM_004656.4 (MANE Select); coding-DNA position 1975, A replaced by T.
Protein change: p.Lys659Ter; replaces lysine 659 with a stop codon.
Molecular consequence: nonsense.
Genome position (GRCh38, 1-based): chr3:52,402,787, T>A on the plus strand (A>T on the coding strand, the complement: BAP1 is on the minus strand). VCF-style: chr3-52402787-T-A. GRCh37 (hg19) VCF-style: chr3-52436803-T-A.
Other names: c.1975A>T (NM_004656.2); short protein forms K659*.
Identifiers: ClinVar variation 539901 (VCV000539901.7), dbSNP rs1553644659, ClinGen allele CA353096480.

ClinVar aggregate classification (germline): Pathogenic. Review status: criteria provided, multiple submitters, no conflicts (2 of 4 stars). 2 submissions from 2 submitters: Pathogenic (2). Last evaluated 2025-11-15.

Conditions:
BAP1-related tumor predisposition syndrome (TPDS1). Also called: COMMON Syndrome; TUMOR PREDISPOSITION SYNDROME 1; BAP1 tumor predisposition syndrome; Tumor susceptibility linked to germline BAP1 mutations. Identifiers: Orphanet 289539, MedGen C3280492, MONDO:0013692, OMIM 614327.
Hereditary cancer-predisposing syndrome. Also called: Neoplastic Syndromes, Hereditary; Hereditary Cancer Syndrome; Hereditary neoplastic syndrome; Tumor predisposition. Identifiers: Orphanet 140162, MedGen C0027672, MeSH D009386, MONDO:0015356.

Submissions (2):

Labcorp Genetics (formerly Invitae), Labcorp
Classification: Pathogenic for BAP1-related tumor predisposition syndrome. Last evaluated: 2025-11-15. Review status: criteria provided, single submitter. Criteria: Invitae Variant Classification Sherloc (09022015). Collection method: clinical testing. Allele origin: germline.
Comment: This sequence change creates a premature translational stop signal (p.Lys659*) in the BAP1 gene. It is expected to result in an absent or disrupted protein product. Loss-of-function variants in BAP1 are known to be pathogenic (PMID: 21874000, 23684012). This variant is not present in population databases (gnomAD no frequency). This premature translational stop signal has been observed in individual(s) with uveal/ocular melanoma (PMID: 22545102, 25974357). ClinVar contains an entry for this variant (Variation ID: 539901). For these reasons, this variant has been classified as Pathogenic.

Ambry Genetics
Classification: Pathogenic for Hereditary cancer-predisposing syndrome. Last evaluated: 2025-06-09. Review status: criteria provided, single submitter. Criteria: Ambry Variant Classification Scheme 2023. Collection method: clinical testing. Allele origin: germline.
Comment: The p.K659* pathogenic mutation (also known as c.1975A>T), located in coding exon 15 of the BAP1 gene, results from an A to T substitution at nucleotide position 1975. This changes the amino acid from a lysine to a stop codon within coding exon 15. This variant was reported in individual(s) with features consistent with BAP1-related tumor predisposition syndrome (Njauw CN et al. PLoS One, 2012 Apr;7:e35295; Gupta MP et al. JAMA Ophthalmol, 2015 Aug;133:881-7). This variant is considered to be rare based on population cohorts in the Genome Aggregation Database (gnomAD). In addition to the clinical data presented in the literature, this alteration is expected to result in loss of function by premature protein truncation or nonsense-mediated mRNA decay. As such, this alteration is interpreted as a disease-causing mutation.

Literature cited by the submitters: PubMed 21874000 (cited by Labcorp Genetics (formerly Invitae), Labcorp); PubMed 23684012 (cited by Labcorp Genetics (formerly Invitae), Labcorp); PubMed 22545102 (cited by Labcorp Genetics (formerly Invitae), Labcorp and Ambry Genetics); PubMed 25974357 (cited by Labcorp Genetics (formerly Invitae), Labcorp and Ambry Genetics).